The following is an entry in ClinVar:

ClinVar aggregate classification (germline): Benign (0 of 4 stars; one submission).

Conditions:
EFCAB5-related disorder. Also called: EFCAB5-related condition.

Allele frequency attached by ClinVar (database versions not stated): ExAC 0.00127; ESP Exome Variant Server 0.00397; 1000 Genomes Project 0.00399; gnomAD 0.00437; 1000 Genomes Project 30x 0.00453; TOPMed 0.00488.
gnomAD v4.1: 1,251 of 1,613,802 alleles (0.078%); highest among the groups gnomAD compares: African/African-American, 1.4%; 9 homozygotes.

Submission:

PreventionGenetics, part of Exact Sciences
Classification: Benign for EFCAB5-related condition. Last evaluated: 2019-06-06. Review status: no assertion criteria provided. Collection method: clinical testing. Allele origin: germline.
Comment: This variant is classified as benign based on ACMG/AMP sequence variant interpretation guidelines (Richards et al. 2015 PMID: 25741868, with internal and published modifications).

NM_198529.4(EFCAB5):c.551C>A (p.Pro184His)

Gene: EFCAB5 (EF-hand calcium binding domain 5; plus strand). Cytogenetic location: 17q11.2.
Variant type: single nucleotide variant.
Coding change: c.551C>A on transcript NM_198529.4 (MANE Select); coding-DNA position 551, C replaced by A.
Protein change: p.Pro184His; replaces proline 184 with histidine.
Molecular consequence: missense variant. On other transcripts: non-coding transcript variant (1).
Genome position (GRCh38, 1-based): chr17:29,969,151, C>A. VCF-style: chr17-29969151-C-A. GRCh37 (hg19) VCF-style: chr17-28296169-C-A.
Other names: c.383C>A, p.Pro128His (NM_001145053.2); short protein forms P128H, P184H.
Identifiers: ClinVar variation 3044161 (VCV003044161.2), dbSNP rs147481983, ClinGen allele CA8478586.